The following is an entry in ClinVar:

NM_000404.4(GLB1):c.668C>G (p.Ala223Gly)

Gene: GLB1 (galactosidase beta 1; minus strand). Cytogenetic location: 3p22.3.
Variant type: single nucleotide variant.
Coding change: c.668C>G on transcript NM_000404.4 (MANE Select); coding-DNA position 668, C replaced by G.
Protein change: p.Ala223Gly; replaces alanine 223 with glycine.
Molecular consequence: missense variant. On other transcripts: intron variant (1).
Genome position (GRCh38, 1-based): chr3:33,058,154, G>C on the plus strand (C>G on the coding strand, the complement: GLB1 is on the minus strand). VCF-style: chr3-33058154-G-C. GRCh37 (hg19) VCF-style: chr3-33099646-G-C.
Other names: c.668C>G (NM_000404.2); c.578C>G, p.Ala193Gly (NM_001079811.3); c.812C>G, p.Ala271Gly (NM_001317040.2); c.668C>G, p.Ala223Gly (NM_001393580.1); c.341-4605C>G (NM_001135602.3); short protein forms A193G, A223G, A271G.
Identifiers: ClinVar variation 3748336 (VCV003748336.3).

ClinVar aggregate classification (germline): Uncertain significance. Review status: criteria provided, multiple submitters, no conflicts (2 of 4 stars). 2 submissions from 2 submitters: Uncertain significance (2). Last evaluated 2025-04-11.

Conditions:
Mucopolysaccharidosis, MPS-IV-B (MPS4B). Also called: MORQUIO SYNDROME B; Mucopolysaccharidosis type IV B; Mucopolysaccharidosis Type IVB; Mucopolysaccharidosis type 4B; Mucopolysaccharidosis Type IVB (Morquio B Disease); Mucopolysaccharidosis type IVB (Morquio). Identifiers: Orphanet 309310, Orphanet 582, MedGen C0086652, MONDO:0009660, OMIM 253010.
GM1 gangliosidosis. Identifiers: Orphanet 354, MedGen C0085131, MONDO:0018149.
Inborn genetic diseases. Identifiers: MedGen C0950123, MeSH D030342.

gnomAD v4.1: 13 of 1,613,980 alleles (0.00081%); highest among the groups gnomAD compares: Middle Eastern, 0.016%; no homozygotes.

Submissions (2):

Ambry Genetics
Classification: Uncertain significance for Inborn genetic diseases. Last evaluated: 2025-04-11. Review status: criteria provided, single submitter. Criteria: Ambry Variant Classification Scheme 2023. Collection method: clinical testing. Allele origin: germline.

Labcorp Genetics (formerly Invitae), Labcorp
Classification: Uncertain significance for Mucopolysaccharidosis, MPS-IV-B; GM1 gangliosidosis. Last evaluated: 2024-12-12. Review status: criteria provided, single submitter. Criteria: Invitae Variant Classification Sherloc (09022015). Collection method: clinical testing. Allele origin: germline.
Comment: This sequence change replaces alanine, which is neutral and non-polar, with glycine, which is neutral and non-polar, at codon 223 of the GLB1 protein (p.Ala223Gly). This variant is present in population databases (rs756603052, gnomAD 0.003%). This variant has not been reported in the literature in individuals affected with GLB1-related conditions. Invitae Evidence Modeling of protein sequence and biophysical properties (such as structural, functional, and spatial information, amino acid conservation, physicochemical variation, residue mobility, and thermodynamic stability) indicates that this missense variant is not expected to disrupt GLB1 protein function with a negative predictive value of 95%. In summary, the available evidence is currently insufficient to determine the role of this variant in disease. Therefore, it has been classified as a Variant of Uncertain Significance.